The following is an entry in ClinVar:

ClinVar aggregate classification (germline): Likely benign. Review status: criteria provided, single submitter (1 of 4 stars). 2 submissions from 2 submitters: Likely benign (1). 1 of the submissions does not count toward it. Last evaluated 2019-01-03.

Conditions:
PLXNA1-related disorder. Also called: PLXNA1-related condition.

Allele frequency attached by ClinVar (database versions not stated): TOPMed 0.00003.
gnomAD v4.1: 52 of 1,613,602 alleles (0.0032%); highest among the groups gnomAD compares: Non-Finnish European, 0.0042%; no homozygotes.

Submissions (2):

Labcorp Genetics (formerly Invitae), Labcorp
Classification: Likely benign. Last evaluated: 2019-01-03. Review status: criteria provided, single submitter. Criteria: Invitae Variant Classification Sherloc (09022015). Collection method: clinical testing. Allele origin: germline.

PreventionGenetics, part of Exact Sciences
Classification: Likely benign for PLXNA1-related condition. Last evaluated: 2022-04-22. Review status: no assertion criteria provided. Collection method: clinical testing. Allele origin: germline. Not counted in ClinVar's aggregate classification.
Comment: This variant is classified as likely benign based on ACMG/AMP sequence variant interpretation guidelines (Richards et al. 2015 PMID: 25741868, with internal and published modifications).

NM_032242.4(PLXNA1):c.3450C>T (p.Pro1150=)

Gene: PLXNA1 (plexin A1; plus strand). Cytogenetic location: 3q21.3.
Variant type: single nucleotide variant.
Coding change: c.3450C>T on transcript NM_032242.4 (MANE Select); coding-DNA position 3450, C replaced by T.
Protein change: p.Pro1150=; no amino-acid change (proline 1150 retained).
Molecular consequence: synonymous variant.
Genome position (GRCh38, 1-based): chr3:127,017,598, C>T. VCF-style: chr3-127017598-C-T. GRCh37 (hg19) VCF-style: chr3-126736441-C-T.
Identifiers: ClinVar variation 752767 (VCV000752767.5), dbSNP rs540555960, ClinGen allele CA2594024.